The following is an entry in ClinVar:

ClinVar aggregate classification (germline): Uncertain significance (1 of 4 stars; one submission).

Conditions:
Inborn genetic diseases. Identifiers: MedGen C0950123, MeSH D030342.

gnomAD v4.1: 2 of 1,613,708 alleles (0.00012%); highest among the groups gnomAD compares: Middle Eastern, 0.016%; no homozygotes.

Submission:

Ambry Genetics
Classification: Uncertain significance for Inborn genetic diseases. Last evaluated: 2024-06-18. Review status: criteria provided, single submitter. Criteria: Ambry Variant Classification Scheme 2023. Collection method: clinical testing. Allele origin: germline.
Comment: The p.T415I variant (also known as c.1244C>T), located in coding exon 13 of the ERCC2 gene, results from a C to T substitution at nucleotide position 1244. The threonine at codon 415 is replaced by isoleucine, an amino acid with similar properties. This amino acid position is conserved. In addition, the in silico prediction for this alteration is inconclusive. Based on the available evidence, the clinical significance of this variant remains unclear.

NM_000400.4(ERCC2):c.1244C>T (p.Thr415Ile)

Gene: ERCC2 (ERCC excision repair 2, TFIIH core complex helicase subunit; minus strand). Cytogenetic location: 19q13.32.
Variant type: single nucleotide variant.
Coding change: c.1244C>T on transcript NM_000400.4 (MANE Select); coding-DNA position 1244, C replaced by T.
Protein change: p.Thr415Ile; replaces threonine 415 with isoleucine.
Molecular consequence: missense variant.
Genome position (GRCh38, 1-based): chr19:45,357,693, G>A on the plus strand (C>T on the coding strand, the complement: ERCC2 is on the minus strand). VCF-style: chr19-45357693-G-A. GRCh37 (hg19) VCF-style: chr19-45860951-G-A.
Other names: short protein forms T415I.
Identifiers: ClinVar variation 3276243 (VCV003276243.1).